The following is an entry in ClinVar:

NM_014491.4(FOXP2):c.*1945G>A

Gene: FOXP2 (forkhead box P2; plus strand). Cytogenetic location: 7q31.1.
Variant type: single nucleotide variant.
Coding change: c.*1945G>A on transcript NM_014491.4 (MANE Select); 1945 bases downstream of the stop codon, G replaced by A.
Molecular consequence: 3 prime UTR variant. On other transcripts: non-coding transcript variant (2).
Genome position (GRCh38, 1-based): chr7:114,691,871, G>A. VCF-style: chr7-114691871-G-A. GRCh37 (hg19) VCF-style: chr7-114331926-G-A.
Other names: c.*1945G>A (NM_001172766.3, NM_148898.4, NM_148900.4).
Identifiers: ClinVar variation 358642 (VCV000358642.5), dbSNP rs185964187, ClinGen allele CA4446430.

ClinVar aggregate classification (germline): Benign (1 of 4 stars; one submission).

Conditions:
Childhood apraxia of speech (SPCH1). Also called: DEVELOPMENTAL VERBAL DYSPRAXIA; Speech language disorder; FOXP2-Related Speech and Language Disorder; SPEECH AND LANGUAGE DISORDER WITH OROFACIAL DYSPRAXIA. Identifiers: Orphanet 209908, MedGen C0750927, MONDO:0011184, OMIM 602081.

Allele frequency attached by ClinVar (database versions not stated): gnomAD 0.00007; TOPMed 0.00010; 1000 Genomes Project 0.00060; 1000 Genomes Project 30x 0.00062.
gnomAD v4.1: 54 of 452,164 alleles (0.012%); highest among the groups gnomAD compares: East Asian, 0.26%; no homozygotes.

Submission:

Illumina Laboratory Services, Illumina
Classification: Benign for Childhood apraxia of speech. Last evaluated: 2018-01-13. Review status: criteria provided, single submitter. Criteria: ICSL Variant Classification Criteria 13 December 2019. Collection method: clinical testing. Allele origin: germline.
Comment: This variant was observed in the ICSL laboratory as part of a predisposition screen in an ostensibly healthy population. It had not been previously curated by ICSL or reported in the Human Gene Mutation Database (HGMD: prior to June 1st, 2018), and was therefore a candidate for classification through an automated scoring system. Utilizing variant allele frequency, disease prevalence and penetrance estimates, and inheritance mode, an automated score was calculated to assess if this variant is too frequent to cause the disease. Based on the score and internal cut-off values, a variant classified as benign is not then subjected to further curation. The score for this variant resulted in a classification of benign for this disease.